The following is an entry in ClinVar:

ClinVar aggregate classification (germline): Pathogenic. Review status: criteria provided, multiple submitters, no conflicts (2 of 4 stars). 4 submissions from 4 submitters: Pathogenic (3). 1 of the submissions does not count toward it. Last evaluated 2023-04-22.

Conditions:
Inborn genetic diseases. Identifiers: MedGen C0950123, MeSH D030342.
Hereditary spastic paraplegia 11. Also called: SPASTIC PARAPLEGIA, AUTOSOMAL RECESSIVE, COMPLICATED, WITH THIN CORPUS CALLOSUM; SPASTIC PARAPLEGIA, AUTOSOMAL RECESSIVE, WITH MENTAL IMPAIRMENT AND THIN CORPUS CALLOSUM; Spastic Paraplegia 11; Spastic paraplegia, mental retardation and thin corpus callosum; Nakamura Osame syndrome; Autosomal recessive hereditary spastic paraplegia, mental impairment, and thin corpus callosum. Identifiers: Orphanet 2822, MedGen C1858479, MONDO:0011445, OMIM 604360.

Submissions (4):

Labcorp Genetics (formerly Invitae), Labcorp
Classification: Pathogenic for Hereditary spastic paraplegia 11. Last evaluated: 2023-04-22. Review status: criteria provided, single submitter. Criteria: Invitae Variant Classification Sherloc (09022015). Collection method: clinical testing. Allele origin: germline.
Comment: For these reasons, this variant has been classified as Pathogenic. ClinVar contains an entry for this variant (Variation ID: 41320). This premature translational stop signal has been observed in individual(s) with clinical features of SPG11-related conditions (PMID: 18067136, 25769290). It has also been observed to segregate with disease in related individuals. This variant is not present in population databases (gnomAD no frequency). This sequence change creates a premature translational stop signal (p.Phe1752Serfs*86) in the SPG11 gene. It is expected to result in an absent or disrupted protein product. Loss-of-function variants in SPG11 are known to be pathogenic (PMID: 19105190, 20110243, 22154821, 26556829).

CeGaT Center for Human Genetics Tuebingen
Classification: Pathogenic. Last evaluated: 2022-06-01. Review status: criteria provided, single submitter. Criteria: CeGaT Center For Human Genetics Tuebingen Variant Classification Criteria Version 2. Collection method: clinical testing. Allele origin: germline. Affected: yes. Observed: 1 variant allele.
Comment: SPG11: PVS1, PM2

Ambry Genetics
Classification: Pathogenic for Inborn genetic diseases. Last evaluated: 2019-11-22. Review status: criteria provided, single submitter. Criteria: Ambry Variant Classification Scheme 2023. Collection method: clinical testing. Allele origin: germline.
Comment: The c.5255delT pathogenic mutation, located in coding exon 30 of the SPG11 gene, results from a deletion of one nucleotide at nucleotide position 5255, causing a translational frameshift with a predicted alternate stop codon (p.F1752Sfs*86). This mutation has been detected in both the heterozygous and homozygous states in individuals with hereditary spastic paraplegia (Hehr U et al. Ann. Neurol., 2007 Dec;62:656-65; Hooper AJ et al. Clin. Chim. Acta, 2015 May;445:1; Denora PS et al. Hum. Mutat., 2009 Mar;30:E500-19; Laurencin C et al. Rev. Neurol. (Paris) May;172:389-91). In addition to the clinical data presented in the literature, this alteration is expected to result in loss of function by premature protein truncation or nonsense-mediated mRNA decay. As such, this alteration is interpreted as a disease-causing mutation.

GeneReviews
No classification provided. Condition: Hereditary spastic paraplegia 11. Review status: no classification provided. Collection method: literature only. Allele origin: unknown. Not counted in ClinVar's aggregate classification.

Literature cited by the submitters: PubMed 18067136 (cited by 3 submitters); PubMed 25769290 (cited by Labcorp Genetics (formerly Invitae), Labcorp and Ambry Genetics); PubMed 19105190 (cited by 3 submitters); PubMed 20110243 (cited by Labcorp Genetics (formerly Invitae), Labcorp); PubMed 22154821 (cited by Labcorp Genetics (formerly Invitae), Labcorp); PubMed 26556829 (cited by Labcorp Genetics (formerly Invitae), Labcorp); PubMed 21625935 (cited by Ambry Genetics); PubMed 27180005 (cited by Ambry Genetics); PubMed 20301389 (cited by GeneReviews); NCBI Bookshelf NBK1210 (cited by GeneReviews).

NM_025137.4(SPG11):c.5255del (p.Phe1752fs)

Genes: SPG11 (SPG11 vesicle trafficking associated, spatacsin; minus strand), LOC130056971 (ATAC-STARR-seq lymphoblastoid silent region 6398; plus strand). Cytogenetic location: 15q21.1.
Variant type: Deletion.
Coding change: c.5255del on transcript NM_025137.4 (MANE Select); coding-DNA position 5255, one base deleted (T; older notation c.5255delT).
Protein change: p.Phe1752fs; shifts the reading frame from phenylalanine 1752.
Molecular consequence: frameshift variant.
Genome position (GRCh38, 1-based): chr15:44,584,425, A deleted on the plus strand (T on the coding strand, the reverse complement: SPG11 is on the minus strand); the first of 5 consecutive A bases (chr15:44,584,425-44,584,429); deleting any one gives the same sequence. VCF-style (leftmost placement, unchanged base first): chr15-44584424-GA-G. GRCh37 (hg19) VCF-style: chr15-44876622-GA-G.
Other names: c.5255del, p.Phe1752fs (NM_001160227.2); short protein forms F1752fs.
Identifiers: ClinVar variation 41320 (VCV000041320.38), dbSNP rs312262763, ClinGen allele CA344351.
Genomic context (GRCh38, chr15:44,584,424, plus strand): 5'-GCGCTCCTCCATGCTGCTCCATCCAGTTGGGTGCTCACATGCCACATGGGCCTGGGTTGA[GA>G]AAAAGGAAGAAGCTGCTTTGCTTGAAATTGAATTTTTCTTAAAATTCTCATGGCATTTTT-3'